The following is an entry in ClinVar:

NM_000368.5(TSC1):c.107-8_107-7insGCCCTTTTCTTTTTTTTTTTNNNNNNNNTTTCAGCTTTCTACATATGGCTAGCCA

Gene: TSC1 (TSC complex subunit 1; minus strand). Cytogenetic location: 9q34.13.
Variant type: Insertion.
Coding change: c.107-8_107-7insGCCCTTTTCTTTTTTTTTTTNNNNNNNNTTTCAGCTTTCTACATATGGCTAGCCA on transcript NM_000368.5 (MANE Select); 8 bases into the intron before coding-DNA position 107 through 7 bases into the intron before coding-DNA position 107, GCCCTTTTCTTTTTTTTTTTNNNNNNNNTTTCAGCTTTCTACATATGGCTAGCCA inserted.
Molecular consequence: intron variant.
Genome position: GRCh38: chr9:132,927,322-132,927,323. GRCh37 (hg19): chr9:135,802,709-135,802,710.
Other names: c.-153-1573_-153-1572insGCCCTTTTCTTTTTTTTTTTNNNNNNNNTTTCAGCTTTCTACATATGGCTAGCCA (NM_001406620.1, NM_001406618.1); c.-154+1455_-154+1456insGCCCTTTTCTTTTTTTTTTTNNNNNNNNTTTCAGCTTTCTACATATGGCTAGCCA (NM_001406625.1, NM_001406621.1, NM_001406617.1 and 3 more transcripts); c.107-8_107-7insGCCCTTTTCTTTTTTTTTTTNNNNNNNNTTTCAGCTTTCTACATATGGCTAGCCA (NM_001406613.1, NM_001406612.1, NM_001406610.1 and 21 more transcripts); c.-771-8_-771-7insGCCCTTTTCTTTTTTTTTTTNNNNNNNNTTTCAGCTTTCTACATATGGCTAGCCA (NM_001406627.1, NM_001406628.1, NM_001406626.1); c.-913-8_-913-7insGCCCTTTTCTTTTTTTTTTTNNNNNNNNTTTCAGCTTTCTACATATGGCTAGCCA (NM_001406629.1); c.-246+1455_-246+1456insGCCCTTTTCTTTTTTTTTTTNNNNNNNNTTTCAGCTTTCTACATATGGCTAGCCA (NM_001406614.1); c.-987-8_-987-7insGCCCTTTTCTTTTTTTTTTTNNNNNNNNTTTCAGCTTTCTACATATGGCTAGCCA (NM_001406630.1); c.-349-8_-349-7insGCCCTTTTCTTTTTTTTTTTNNNNNNNNTTTCAGCTTTCTACATATGGCTAGCCA (NM_001406624.1, NM_001406616.1); and 1 more.
Identifiers: ClinVar variation 3649471 (VCV003649471.2).

ClinVar aggregate classification (germline): Uncertain significance (1 of 4 stars; one submission).

Conditions:
Tuberous sclerosis 1 (TSC1). Identifiers: Orphanet 805, MedGen C1854465, MONDO:0008612, OMIM 191100.

Submission:

Labcorp Genetics (formerly Invitae), Labcorp
Classification: Uncertain significance for Tuberous sclerosis 1. Last evaluated: 2024-04-10. Review status: criteria provided, single submitter. Criteria: Invitae Variant Classification Sherloc (09022015). Collection method: clinical testing. Allele origin: germline.
Comment: This sequence change falls in intron 3 of the TSC1 gene. It does not directly change the encoded amino acid sequence of the TSC1 protein. This variant is not present in population databases (gnomAD no frequency). This variant has not been reported in the literature in individuals affected with TSC1-related conditions. Experimental studies and prediction algorithms are not available or were not evaluated, and the effect of this variant on mRNA splicing is currently unknown. In summary, the available evidence is currently insufficient to determine the role of this variant in disease. Therefore, it has been classified as a Variant of Uncertain Significance.